The following is an entry in ClinVar:

NM_000170.3(GLDC):c.1589C>T (p.Ser530Phe)

Gene: GLDC (glycine decarboxylase; minus strand). Cytogenetic location: 9p24.1.
Variant type: single nucleotide variant.
Coding change: c.1589C>T on transcript NM_000170.3 (MANE Select); coding-DNA position 1589, C replaced by T.
Protein change: p.Ser530Phe; replaces serine 530 with phenylalanine.
Molecular consequence: missense variant.
Genome position (GRCh38, 1-based): chr9:6,588,694, G>A on the plus strand (C>T on the coding strand, the complement: GLDC is on the minus strand). VCF-style: chr9-6588694-G-A. GRCh37 (hg19) VCF-style: chr9-6588694-G-A.
Other names: short protein forms S530F.
Identifiers: ClinVar variation 3691676 (VCV003691676.2).

ClinVar aggregate classification (germline): Uncertain significance (1 of 4 stars; one submission).

Conditions:
Glycine encephalopathy. Also called: Nonketotic hyperglycinemia; Non-ketotic hyperglycinemia. Identifiers: Orphanet 407, MedGen C0751748, MONDO:0011612, HP:0008288.

Submission:

Labcorp Genetics (formerly Invitae), Labcorp
Classification: Uncertain significance for Glycine encephalopathy. Last evaluated: 2024-06-24. Review status: criteria provided, single submitter. Criteria: Invitae Variant Classification Sherloc (09022015). Collection method: clinical testing. Allele origin: germline.
Comment: This sequence change replaces serine, which is neutral and polar, with phenylalanine, which is neutral and non-polar, at codon 530 of the GLDC protein (p.Ser530Phe). This variant is not present in population databases (gnomAD no frequency). This missense change has been observed in individual(s) with non-ketotic hyperglycinemia (Invitae). Advanced modeling of protein sequence and biophysical properties (such as structural, functional, and spatial information, amino acid conservation, physicochemical variation, residue mobility, and thermodynamic stability) performed at Invitae indicates that this missense variant is expected to disrupt GLDC protein function with a positive predictive value of 80%. In summary, the available evidence is currently insufficient to determine the role of this variant in disease. Therefore, it has been classified as a Variant of Uncertain Significance.